The following is an entry in ClinVar:

NM_000628.5(IL10RB):c.386T>G (p.Met129Arg)

Genes: IFNAR2-IL10RB (IFNAR2-IL10RB readthrough; plus strand), IL10RB (interleukin 10 receptor subunit beta; plus strand). Cytogenetic location: 21q22.11.
Variant type: single nucleotide variant.
Coding change: c.386T>G on transcript NM_000628.5 (MANE Select); coding-DNA position 386, T replaced by G.
Protein change: p.Met129Arg; replaces methionine 129 with arginine.
Molecular consequence: missense variant.
Genome position (GRCh38, 1-based): chr21:33,279,806, T>G. VCF-style: chr21-33279806-T-G. GRCh37 (hg19) VCF-style: chr21-34652111-T-G.
Other names: short protein forms M129R.
Identifiers: ClinVar variation 1503322 (VCV001503322.5), dbSNP rs759321517, ClinGen allele CA10006131.

ClinVar aggregate classification (germline): Uncertain significance (1 of 4 stars; one submission).

Conditions:
Inflammatory bowel disease 25. Also called: Inflammatory bowel disease 25, early onset, autosomal recessive. Identifiers: Orphanet 238569, MedGen C2675508, MONDO:0012941, OMIM 612567.

Allele frequency attached by ClinVar (database versions not stated): gnomAD exomes below 0.00001; ExAC 0.00001; TOPMed 0.00002.

Submission:

Labcorp Genetics (formerly Invitae), Labcorp
Classification: Uncertain significance for Inflammatory bowel disease 25. Last evaluated: 2025-06-09. Review status: criteria provided, single submitter. Criteria: Invitae Variant Classification Sherloc (09022015). Collection method: clinical testing. Allele origin: germline.
Comment: This sequence change replaces methionine, which is neutral and non-polar, with arginine, which is basic and polar, at codon 129 of the IL10RB protein (p.Met129Arg). This variant is present in population databases (rs759321517, gnomAD 0.0009%). This variant has not been reported in the literature in individuals affected with IL10RB-related conditions. ClinVar contains an entry for this variant (Variation ID: 1503322). Invitae Evidence Modeling of protein sequence and biophysical properties (such as structural, functional, and spatial information, amino acid conservation, physicochemical variation, residue mobility, and thermodynamic stability) has been performed for this missense variant. However, the output from this modeling did not meet the statistical confidence thresholds required to predict the impact of this variant on IL10RB protein function. In summary, the available evidence is currently insufficient to determine the role of this variant in disease. Therefore, it has been classified as a Variant of Uncertain Significance.